The following is an entry in ClinVar:

ClinVar aggregate classification (germline): Likely benign. Review status: criteria provided, multiple submitters, no conflicts (2 of 4 stars). 2 submissions from 2 submitters: Likely benign (2). Last evaluated 2024-04-01.

Conditions:
Jeune thoracic dystrophy. Also called: Short-rib thoracic dysplasia; Jeune syndrome; Infantile thoracic dystrophy; Thoracic pelvic phalangeal dystrophy; Jeune's syndrome; Chondroectodermal dysplasia-like syndrome. Identifiers: Orphanet 474, MedGen C0265275, MONDO:0018770.

Allele frequency attached by ClinVar (database versions not stated): TOPMed below 0.00001; ExAC 0.00001; gnomAD 0.00001; gnomAD exomes 0.00002.
gnomAD v4.1: 13 of 1,613,374 alleles (0.00081%); highest among the groups gnomAD compares: Non-Finnish European, 0.0011%; no homozygotes.

Submissions (2):

Labcorp Genetics (formerly Invitae), Labcorp
Classification: Likely benign for Jeune thoracic dystrophy. Last evaluated: 2024-04-01. Review status: criteria provided, single submitter. Criteria: Invitae Variant Classification Sherloc (09022015). Collection method: clinical testing. Allele origin: germline.

CeGaT Center for Human Genetics Tuebingen
Classification: Likely benign. Last evaluated: 2022-07-01. Review status: criteria provided, single submitter. Criteria: CeGaT Center For Human Genetics Tuebingen Variant Classification Criteria Version 2. Collection method: clinical testing. Allele origin: germline. Affected: yes. Observed: 1 variant allele.
Comment: DYNC2H1: BP4, BP7

NM_001377.3(DYNC2H1):c.9279G>A (p.Val3093=)

Gene: DYNC2H1 (dynein cytoplasmic 2 heavy chain 1; plus strand). Cytogenetic location: 11q22.3.
Variant type: single nucleotide variant.
Coding change: c.9279G>A on transcript NM_001377.3 (MANE Select); coding-DNA position 9279, G replaced by A.
Protein change: p.Val3093=; no amino-acid change (valine 3093 retained).
Molecular consequence: synonymous variant.
Genome position (GRCh38, 1-based): chr11:103,223,012, G>A. VCF-style: chr11-103223012-G-A. GRCh37 (hg19) VCF-style: chr11-103093741-G-A.
Other names: c.9279G>A, p.Val3093= (NM_001080463.2).
Identifiers: ClinVar variation 1899917 (VCV001899917.29), dbSNP rs762737194, ClinGen allele CA6254648.